The following is an entry in ClinVar:

NM_012123.4(MTO1):c.1298G>A (p.Ser433Asn)

Gene: MTO1 (mitochondrial tRNA translation optimization 1; plus strand). Cytogenetic location: 6q13.
Variant type: single nucleotide variant.
Coding change: c.1298G>A on transcript NM_012123.4 (MANE Select); coding-DNA position 1298, G replaced by A.
Protein change: p.Ser433Asn; replaces serine 433 with asparagine.
Molecular consequence: missense variant.
Genome position (GRCh38, 1-based): chr6:73,482,077, G>A. VCF-style: chr6-73482077-G-A. GRCh37 (hg19) VCF-style: chr6-74191800-G-A.
Other names: c.1418G>A, p.Ser473Asn (NM_001123226.2); c.1373G>A, p.Ser458Asn (NM_133645.3); short protein forms S473N, S433N, S458N.
Identifiers: ClinVar variation 2055264 (VCV002055264.2), dbSNP rs1252260788, ClinGen allele CA364716959.

ClinVar aggregate classification (germline): Uncertain significance (1 of 4 stars; one submission).

Conditions:
Mitochondrial hypertrophic cardiomyopathy with lactic acidosis due to MTO1 deficiency. Also called: Combined oxidative phosphorylation deficiency 10; CARDIOMYOPATHY, INFANTILE HYPERTROPHIC MITOCHONDRIAL, AND LACTIC ACIDOSIS. Identifiers: Orphanet 314637, MedGen C4749921, MONDO:0013865, OMIM 614702.

Allele frequency attached by ClinVar (database versions not stated): gnomAD exomes below 0.00001; TOPMed 0.00001.
gnomAD v4.1: 2 of 1,614,162 alleles (0.00012%); highest among the groups gnomAD compares: Non-Finnish European, 0.00017%; no homozygotes.

Submission:

Labcorp Genetics (formerly Invitae), Labcorp
Classification: Uncertain significance for Mitochondrial hypertrophic cardiomyopathy with lactic acidosis due to MTO1 deficiency. Last evaluated: 2022-10-26. Review status: criteria provided, single submitter. Criteria: Invitae Variant Classification Sherloc (09022015). Collection method: clinical testing. Allele origin: germline.
Comment: In summary, the available evidence is currently insufficient to determine the role of this variant in disease. Therefore, it has been classified as a Variant of Uncertain Significance. Advanced modeling of protein sequence and biophysical properties (such as structural, functional, and spatial information, amino acid conservation, physicochemical variation, residue mobility, and thermodynamic stability) performed at Invitae indicates that this missense variant is not expected to disrupt MTO1 protein function. This variant has not been reported in the literature in individuals affected with MTO1-related conditions. This variant is present in population databases (no rsID available, gnomAD 0.002%). This sequence change replaces serine, which is neutral and polar, with asparagine, which is neutral and polar, at codon 433 of the MTO1 protein (p.Ser433Asn).